The following is an entry in ClinVar:

ClinVar aggregate classification (germline): Likely pathogenic (1 of 4 stars; one submission).

Submission:

Genetic Services Laboratory, University of Chicago
Classification: Likely pathogenic. Last evaluated: 2024-10-21. Review status: criteria provided, single submitter. Criteria: ACMG Guidelines, 2015. Collection method: clinical testing. Allele origin: germline. Affected: yes.
Comment: DNA sequence analysis of the ARNT2 gene demonstrated a sequence change, c.1330C>T, which results in the creation of a premature stop codon at amino acid position 444, p.Gln444*. This likely pathogenic sequence change is predicted to result in an abnormal transcript, which may be degraded, or may lead to the production of a truncated ARNT2 protein with potentially abnormal function. This sequence change has not been described in the population databases such as ExAC and gnomAD. This likely pathogenic sequence change has not previously been described in individuals with ARNT2-related disorders, however, another loss-of-function variant located downstream of Gln444 in the homozygous state in ARNT2 has previously been reported in individuals with Webb-Dattani syndrome (PMID: 24022475). The c.1330C>T sequence change is likely pathogenic, however functional studies have not been performed to prove this conclusively.

NM_014862.4(ARNT2):c.1330C>T (p.Gln444Ter)

Gene: ARNT2 (aryl hydrocarbon receptor nuclear translocator 2; plus strand). Cytogenetic location: 15q25.1.
Variant type: single nucleotide variant.
Coding change: c.1330C>T on transcript NM_014862.4 (MANE Select); coding-DNA position 1330, C replaced by T.
Protein change: p.Gln444Ter; replaces glutamine 444 with a stop codon.
Molecular consequence: nonsense.
Genome position (GRCh38, 1-based): chr15:80,574,161, C>T. VCF-style: chr15-80574161-C-T. GRCh37 (hg19) VCF-style: chr15-80866502-C-T.
Other names: short protein forms Q444*.
Identifiers: ClinVar variation 4082495 (VCV004082495.2).